The following is an entry in ClinVar:

NM_019885.4(CYP26B1):c.1417C>T (p.Arg473Cys)

Gene: CYP26B1 (cytochrome P450 family 26 subfamily B member 1; minus strand). Cytogenetic location: 2p13.2.
Variant type: single nucleotide variant.
Coding change: c.1417C>T on transcript NM_019885.4 (MANE Select); coding-DNA position 1417, C replaced by T.
Protein change: p.Arg473Cys; replaces arginine 473 with cysteine.
Molecular consequence: missense variant.
Genome position (GRCh38, 1-based): chr2:72,132,349, G>A on the plus strand (C>T on the coding strand, the complement: CYP26B1 is on the minus strand). VCF-style: chr2-72132349-G-A. GRCh37 (hg19) VCF-style: chr2-72359478-G-A.
Other names: c.1192C>T, p.Arg398Cys (NM_001277742.2); short protein forms R398C, R473C.
Identifiers: ClinVar variation 790505 (VCV000790505.14), dbSNP rs61751056, ClinGen allele CA1707758.
Genomic context (GRCh38, chr2:72,132,349, plus strand): 5'-GGCCAAAGAACTTGACGCTGAGGCCATCCACGGGGTGCAGGACGGGGACCAAGGTGATGC[G>A]GGGGAAGGTCCGTGTGGCCAGCTCAAAGCGGCTGGTGCTAGCCAGCTCCACCGCCAGCAC-3'
Protein context (NP_063938.1, residues 463-483): RFELATRTFP[Arg473Cys]ITLVPVLHPV

ClinVar aggregate classification (germline): Benign/Likely benign. Review status: criteria provided, multiple submitters, no conflicts (2 of 4 stars). 4 submissions from 4 submitters: Benign (2); Likely benign (2). Last evaluated 2026-01-25.

Conditions:
CYP26B1-related disorder. Also called: CYP26B1-related condition.

Allele frequency attached by ClinVar (database versions not stated): 1000 Genomes Project 30x 0.00547; 1000 Genomes Project 0.00599; ESP Exome Variant Server 0.00608; gnomAD 0.00647; TOPMed 0.00657.
gnomAD v4.1: 1,795 of 1,610,680 alleles (0.11%); highest among the groups gnomAD compares: African/African-American, 2.2%; 19 homozygotes.

Submissions (4):

Labcorp Genetics (formerly Invitae), Labcorp
Classification: Benign. Last evaluated: 2026-01-25. Review status: criteria provided, single submitter. Criteria: Invitae Variant Classification Sherloc (09022015). Collection method: clinical testing. Allele origin: germline.

PreventionGenetics, part of Exact Sciences
Classification: Benign for CYP26B1-related condition. Last evaluated: 2025-11-22. Review status: criteria provided, single submitter. Criteria: ACMG Guidelines, 2015. Collection method: clinical testing. Allele origin: germline.
Comment: This variant is classified as benign based on ACMG/AMP sequence variant interpretation guidelines (Richards et al. 2015 PMID: 25741868, with internal and published modifications).

GeneDx
Classification: Likely benign. Last evaluated: 2019-03-24. Review status: criteria provided, single submitter. Criteria: GeneDx Variant Classification Process June 2021. Collection method: clinical testing. Allele origin: germline. Affected: yes.

Breakthrough Genomics
Classification: Likely benign. Review status: criteria provided, single submitter. Criteria: ACMG Guidelines, 2015. Collection method: not provided. Allele origin: germline. Inheritance: Unknown mechanism. Affected: yes.